The following is an entry in ClinVar:

ClinVar aggregate classification (germline): Uncertain significance. Review status: criteria provided, multiple submitters, no conflicts (2 of 4 stars). 2 submissions from 2 submitters: Uncertain significance (2). Last evaluated 2022-06-10.

Conditions:
Beta-D-mannosidosis (MANSB). Also called: MANNOSIDOSIS, BETA A, LYSOSOMAL; BETA-MANNOSIDASE DEFICIENCY; LYSOSOMAL BETA-MANNOSIDASE DEFICIENCY; Beta-Mannosidosis. Identifiers: Orphanet 118, MedGen C4048196, MONDO:0009562, OMIM 248510.

Allele frequency attached by ClinVar (database versions not stated): TOPMed 0.00001.
gnomAD v4.1: 66 of 1,613,172 alleles (0.0041%); highest among the groups gnomAD compares: Non-Finnish European, 0.0056%; no homozygotes.

Submissions (2):

Labcorp Genetics (formerly Invitae), Labcorp
Classification: Uncertain significance for Beta-D-mannosidosis. Last evaluated: 2022-06-10. Review status: criteria provided, single submitter. Criteria: Invitae Variant Classification Sherloc (09022015). Collection method: clinical testing. Allele origin: germline.
Comment: This sequence change replaces arginine, which is basic and polar, with leucine, which is neutral and non-polar, at codon 585 of the MANBA protein (p.Arg585Leu). This variant is present in population databases (rs200033515, gnomAD 0.005%). This variant has not been reported in the literature in individuals affected with MANBA-related conditions. ClinVar contains an entry for this variant (Variation ID: 901953). Algorithms developed to predict the effect of missense changes on protein structure and function (SIFT, PolyPhen-2, Align-GVGD) all suggest that this variant is likely to be disruptive. In summary, the available evidence is currently insufficient to determine the role of this variant in disease. Therefore, it has been classified as a Variant of Uncertain Significance.

Illumina Laboratory Services, Illumina
Classification: Uncertain significance for Beta-D-mannosidosis. Last evaluated: 2018-03-23. Review status: criteria provided, single submitter. Criteria: ICSL Variant Classification Criteria 13 December 2019. Collection method: clinical testing. Allele origin: germline.

NM_005908.4(MANBA):c.1754G>T (p.Arg585Leu)

Gene: MANBA (mannosidase beta; minus strand). Cytogenetic location: 4q24.
Variant type: single nucleotide variant.
Coding change: c.1754G>T on transcript NM_005908.4 (MANE Select); coding-DNA position 1754, G replaced by T.
Protein change: p.Arg585Leu; replaces arginine 585 with leucine.
Molecular consequence: missense variant.
Genome position (GRCh38, 1-based): chr4:102,650,652, C>A on the plus strand (G>T on the coding strand, the complement: MANBA is on the minus strand). VCF-style: chr4-102650652-C-A. GRCh37 (hg19) VCF-style: chr4-103571809-C-A.
Other names: short protein forms R585L.
Identifiers: ClinVar variation 901953 (VCV000901953.5), dbSNP rs200033515, ClinGen allele CA3026807.